The following is an entry in ClinVar:

ClinVar aggregate classification (germline): Likely benign (1 of 4 stars; one submission).

gnomAD v4.1: 3 of 1,604,676 alleles (0.00019%); highest among the groups gnomAD compares: Non-Finnish European, 0.00025%; no homozygotes.

Submission:

CeGaT Center for Human Genetics Tuebingen
Classification: Likely benign. Last evaluated: 2024-09-01. Review status: criteria provided, single submitter. Criteria: CeGaT Center For Human Genetics Tuebingen Variant Classification Criteria Version 2. Collection method: clinical testing. Allele origin: germline. Affected: yes. Observed: 1 variant allele.
Comment: DMXL2: BP4, BP7

NM_001378457.1(DMXL2):c.402G>A (p.Leu134=)

Gene: DMXL2 (Dmx like 2; minus strand). Cytogenetic location: 15q21.2.
Variant type: single nucleotide variant.
Coding change: c.402G>A on transcript NM_001378457.1 (MANE Select); coding-DNA position 402, G replaced by A.
Protein change: p.Leu134=; no amino-acid change (leucine 134 retained).
Molecular consequence: synonymous variant. On other transcripts: non-coding transcript variant (2).
Genome position (GRCh38, 1-based): chr15:51,564,223, C>T on the plus strand (G>A on the coding strand, the complement: DMXL2 is on the minus strand). VCF-style: chr15-51564223-C-T. GRCh37 (hg19) VCF-style: chr15-51856420-C-T.
Other names: c.402G>A, p.Leu134= (NM_001174116.3, NM_001174117.3, NM_001378458.1 and 7 more transcripts).
Identifiers: ClinVar variation 3389267 (VCV003389267.14).
Genomic context (GRCh38, chr15:51,564,223, plus strand): 5'-AGGAACTGTATTATCAATTTCTTCCTCCTCTTCCAGAATATCATCTCCTGGAGGAGCCCA[C>T]AACTGAATAGAATCAGTTGCTGTCAACAATCTATTATCTGAAAATTAAAGAATGTTATGA-3'
Protein context (NP_001365386.1, residues 124-144): RLLTATDSIQ[Leu134=]WAPPGDDILE